The following is an entry in ClinVar:

NM_013254.4(TBK1):c.2T>C (p.Met1Thr)

Gene: TBK1 (TANK binding kinase 1; plus strand). Cytogenetic location: 12q14.2.
Variant type: single nucleotide variant.
Coding change: c.2T>C on transcript NM_013254.4 (MANE Select); coding-DNA position 2, T replaced by C.
Protein change: p.Met1Thr; changes the start codon (methionine 1).
Molecular consequence: missense variant, initiator codon variant.
Genome position (GRCh38, 1-based): chr12:64,455,872, T>C. VCF-style: chr12-64455872-T-C. GRCh37 (hg19) VCF-style: chr12-64849652-T-C.
Other names: short protein forms M1T.
Identifiers: ClinVar variation 2875078 (VCV002875078.3), dbSNP rs2539476572, ClinGen allele CA385592725.

ClinVar aggregate classification (germline): Uncertain significance (1 of 4 stars; one submission).

Conditions:
Frontotemporal dementia and/or amyotrophic lateral sclerosis 4. Also called: FTDALS4. Identifiers: Orphanet 275872, MedGen C4225325, MONDO:0014641, OMIM 616439.

Submission:

Labcorp Genetics (formerly Invitae), Labcorp
Classification: Uncertain significance for Frontotemporal dementia and/or amyotrophic lateral sclerosis 4. Last evaluated: 2023-03-27. Review status: criteria provided, single submitter. Criteria: Invitae Variant Classification Sherloc (09022015). Collection method: clinical testing. Allele origin: germline.
Comment: This variant is not present in population databases (gnomAD no frequency). This sequence change affects the initiator methionine of the TBK1 mRNA. The next in-frame methionine is located at codon 53. This variant has not been reported in the literature in individuals affected with TBK1-related conditions. In summary, the available evidence is currently insufficient to determine the role of this variant in disease. Therefore, it has been classified as a Variant of Uncertain Significance. This variant disrupts a region of the TBK1 protein in which other variant(s) (p.Asn22His) have been observed in individuals with TBK1-related conditions (PMID: 30033073). This suggests that this is a clinically significant region of the protein, and that variants that disrupt it are likely to be disease-causing.

Literature cited by the submitters: PubMed 30033073.